The following is an entry in ClinVar:

ClinVar aggregate classification (germline): Pathogenic (1 of 4 stars; one submission).

Conditions:
Dyskeratosis congenita, autosomal recessive 6 (DKCB6). Identifiers: MedGen C4225356, MONDO:0014600, OMIM 616353.
Pulmonary fibrosis and/or bone marrow failure, Telomere-related, 4. Also called: PULMONARY FIBROSIS AND/OR BONE MARROW FAILURE SYNDROME, TELOMERE-RELATED, 4. Identifiers: Orphanet 2032, MedGen C4225347, MONDO:0014612, OMIM 616371.

Submission:

Labcorp Genetics (formerly Invitae), Labcorp
Classification: Pathogenic for Dyskeratosis congenita, autosomal recessive 6; Pulmonary fibrosis and/or bone marrow failure, Telomere-related, 4. Last evaluated: 2024-04-25. Review status: criteria provided, single submitter. Criteria: Invitae Variant Classification Sherloc (09022015). Collection method: clinical testing. Allele origin: germline.
Comment: This sequence change creates a premature translational stop signal (p.Trp526*) in the PARN gene. It is expected to result in an absent or disrupted protein product. Loss-of-function variants in PARN are known to be pathogenic (PMID: 9736620, 25848748, 26810774). This variant is not present in population databases (gnomAD no frequency). This variant has not been reported in the literature in individuals affected with PARN-related conditions. For these reasons, this variant has been classified as Pathogenic.

Literature cited by the submitters: PubMed 9736620; PubMed 25848748; PubMed 26810774.

NM_002582.4(PARN):c.1577G>A (p.Trp526Ter)

Gene: PARN (poly(A)-specific ribonuclease; minus strand). Cytogenetic location: 16p13.12.
Variant type: single nucleotide variant.
Coding change: c.1577G>A on transcript NM_002582.4 (MANE Select); coding-DNA position 1577, G replaced by A.
Protein change: p.Trp526Ter; replaces tryptophan 526 with a stop codon.
Molecular consequence: nonsense.
Genome position (GRCh38, 1-based): chr16:14,482,731, C>T on the plus strand (G>A on the coding strand, the complement: PARN is on the minus strand). VCF-style: chr16-14482731-C-T. GRCh37 (hg19) VCF-style: chr16-14576588-C-T.
Other names: c.1394G>A, p.Trp465Ter (NM_001134477.3); c.1439G>A, p.Trp480Ter (NM_001242992.2); short protein forms W465*, W480*, W526*.
Identifiers: ClinVar variation 3756027 (VCV003756027.2).